The following is an entry in ClinVar:

NM_003031.4(SIAH1):c.3G>C (p.Met1Ile)

Genes: LONP2 (lon peptidase 2, peroxisomal; plus strand), SIAH1 (siah E3 ubiquitin protein ligase 1; minus strand). Cytogenetic location: 16q12.1.
Variant type: single nucleotide variant.
Coding change: c.3G>C on transcript NM_003031.4 (MANE Select); coding-DNA position 3, G replaced by C.
Protein change: p.Met1Ile; changes the start codon (methionine 1).
Molecular consequence: missense variant, initiator codon variant. On other transcripts: 3 prime UTR variant (1).
Genome position (GRCh38, 1-based): chr16:48,362,426, C>G on the plus strand (G>C on the coding strand, the complement: SIAH1 is on the minus strand). VCF-style: chr16-48362426-C-G. GRCh37 (hg19) VCF-style: chr16-48396337-C-G.
Other names: c.96G>C, p.Met32Ile (NM_001006610.2); c.*830C>G (NM_001348078.2); short protein forms M1I, M32I.
Identifiers: ClinVar variation 3383677 (VCV003383677.1).
Genomic context (GRCh38, chr16:48,362,426, plus strand): 5'-CCTCTGGGATGGTGGACACTTCGAGGTACCGGTAGGTAATGCTGTAGCAGTCTGACGGCT[C>G]ATTTCTGAAATAAATACATAAGGAGGCAGGAGAAAAATAATTATAACCATGACTTACTTT-3'
Protein context (NP_003022.3, residues 1-11): [Met1Ile]SRQTATALPT

ClinVar aggregate classification (germline): Uncertain significance (1 of 4 stars; one submission).

Submission:

GeneDx
Classification: Uncertain significance. Last evaluated: 2025-11-03. Review status: criteria provided, single submitter. Criteria: GeneDx Variant Classification Process June 2021. Collection method: clinical testing. Allele origin: germline. Affected: yes.
Comment: Not observed at significant frequency in large population cohorts (gnomAD); In silico analysis indicates that this missense variant does not alter protein structure/function; Has not been previously published as pathogenic or benign to our knowledge